The following is an entry in ClinVar:

ClinVar aggregate classification (germline): Uncertain significance (1 of 4 stars; one submission).

Conditions:
Hyper-IgE syndrome 6, autosomal dominant, with recurrent infections (HIES6). Identifiers: MedGen C5848786, MONDO:0957807, OMIM 620532.

Submission:

Foundation for Research in Genetics and Endocrinology, FRIGE's Institute of Human Genetics
Classification: Uncertain significance for Hyper-IgE syndrome 6, autosomal dominant, with recurrent infections. Last evaluated: 2026-01-02. Review status: criteria provided, single submitter. Criteria: ACMG Guidelines, 2015. Collection method: clinical testing. Allele origin: germline. Inheritance: Autosomal dominant inheritance. Affected: yes. Observed: 1 variant allele, 1 heterozygote.
Comment: A heterozygous missense variant in exon 5 of the STAT6 gene that results in the amino acid substitution of Serine for Glycine at codon 158 was detected. The observed variant c.472G>A has not been reported in the 1000 genomes and gnomAD databases. The in-silico prediction of the variant is deleterious by MutationTaster2 and DANN. In summary, the variant meets our criteria to be classified as a variant of uncertain significance.

NM_003153.5(STAT6):c.472G>A (p.Gly158Ser)

Gene: STAT6 (signal transducer and activator of transcription 6; minus strand). Cytogenetic location: 12q13.3.
Variant type: single nucleotide variant.
Coding change: c.472G>A on transcript NM_003153.5 (MANE Select); coding-DNA position 472, G replaced by A.
Protein change: p.Gly158Ser; replaces glycine 158 with serine.
Molecular consequence: missense variant. On other transcripts: non-coding transcript variant (1).
Genome position (GRCh38, 1-based): chr12:57,106,699, C>T on the plus strand (G>A on the coding strand, the complement: STAT6 is on the minus strand). VCF-style: chr12-57106699-C-T. GRCh37 (hg19) VCF-style: chr12-57500482-C-T.
Other names: p.Gly158Ser; c.472G>A, p.Gly158Ser (NM_001178078.2, NM_001178079.2); c.142G>A, p.Gly48Ser (NM_001178080.2, NM_001178081.2); short protein forms G158S, G48S.
Identifiers: ClinVar variation 4850524 (VCV004850524.1).
Genomic context (GRCh38, chr12:57,106,699, plus strand): 5'-AGATCCAAGAGGCAACCACTCCTACACACTCCCCAGAACCACCCTGGCCCCCACCTTGGC[C>T]AGCCTCAGCCCCCTTCTGCAGGGCTTCTCGGAGAAGGTGGATCTCCCCTACTCGGTGCTG-3'
Protein context (NP_003144.3, residues 148-168): REALQKGAEA[Gly158Ser]QVSLHSLIET